The following is an entry in ClinVar:

ClinVar aggregate classification (germline): Uncertain significance (1 of 4 stars; one submission).

Conditions:
Amyotrophic lateral sclerosis type 4 (ALS4). Also called: AMYOTROPHIC LATERAL SCLEROSIS 4, JUVENILE; NEURONOPATHY, DISTAL HEREDITARY MOTOR, WITH PYRAMIDAL FEATURES. Identifiers: Orphanet 357043, MedGen C1865409, MONDO:0011223, OMIM 602433.
Spinocerebellar ataxia, autosomal recessive, with axonal neuropathy 2 (SCAN2). Also called: Ataxia with Oculomotor Apraxia; ATAXIA-OCULOMOTOR APRAXIA 2; Ataxia-ocular apraxia-2; Ataxia with Oculomotor Apraxia Type 2. Identifiers: Orphanet 64753, MedGen C1853761, MONDO:0018996, OMIM 606002.

Submission:

Labcorp Genetics (formerly Invitae), Labcorp
Classification: Uncertain significance for Amyotrophic lateral sclerosis type 4; Spinocerebellar ataxia, autosomal recessive, with axonal neuropathy 2. Last evaluated: 2023-05-05. Review status: criteria provided, single submitter. Criteria: Invitae Variant Classification Sherloc (09022015). Collection method: clinical testing. Allele origin: germline.
Comment: In summary, the available evidence is currently insufficient to determine the role of this variant in disease. Therefore, it has been classified as a Variant of Uncertain Significance. Advanced modeling of protein sequence and biophysical properties (such as structural, functional, and spatial information, amino acid conservation, physicochemical variation, residue mobility, and thermodynamic stability) has been performed at Invitae for this missense variant, however the output from this modeling did not meet the statistical confidence thresholds required to predict the impact of this variant on SETX protein function. This variant has not been reported in the literature in individuals affected with SETX-related conditions. This variant is not present in population databases (gnomAD no frequency). This sequence change replaces leucine, which is neutral and non-polar, with arginine, which is basic and polar, at codon 2202 of the SETX protein (p.Leu2202Arg).

NM_015046.7(SETX):c.6605T>G (p.Leu2202Arg)

Gene: SETX (senataxin; minus strand). Cytogenetic location: 9q34.13.
Variant type: single nucleotide variant.
Coding change: c.6605T>G on transcript NM_015046.7 (MANE Select); coding-DNA position 6605, T replaced by G.
Protein change: p.Leu2202Arg; replaces leucine 2202 with arginine.
Molecular consequence: missense variant.
Genome position (GRCh38, 1-based): chr9:132,281,516, A>C on the plus strand (T>G on the coding strand, the complement: SETX is on the minus strand). VCF-style: chr9-132281516-A-C. GRCh37 (hg19) VCF-style: chr9-135156903-A-C.
Other names: c.6605T>G, p.Leu2202Arg (NM_001351527.2, NM_001351528.2); short protein forms L2202R.
Identifiers: ClinVar variation 2943589 (VCV002943589.3), dbSNP rs2538893422, ClinGen allele CA375333559.